The following is an entry in ClinVar:

ClinVar aggregate classification (germline): Uncertain significance (1 of 4 stars; one submission).

gnomAD v4.1: 11 of 1,610,200 alleles (0.00068%); highest among the groups gnomAD compares: Non-Finnish European, 0.00093%; no homozygotes.

Submission:

Labcorp Genetics (formerly Invitae), Labcorp
Classification: Uncertain significance. Last evaluated: 2024-05-16. Review status: criteria provided, single submitter. Criteria: Invitae Variant Classification Sherloc (09022015). Collection method: clinical testing. Allele origin: germline.
Comment: This sequence change replaces aspartic acid, which is acidic and polar, with glycine, which is neutral and non-polar, at codon 117 of the CD81 protein (p.Asp117Gly). The frequency data for this variant in the population databases is considered unreliable, as metrics indicate poor data quality at this position in the gnomAD database. This variant has not been reported in the literature in individuals affected with CD81-related conditions. An algorithm developed to predict the effect of missense changes on protein structure and function (PolyPhen-2) suggests that this variant is likely to be disruptive. In summary, the available evidence is currently insufficient to determine the role of this variant in disease. Therefore, it has been classified as a Variant of Uncertain Significance.

NM_004356.4(CD81):c.350A>G (p.Asp117Gly)

Gene: CD81 (CD81 molecule; plus strand). Cytogenetic location: 11p15.5.
Variant type: single nucleotide variant.
Coding change: c.350A>G on transcript NM_004356.4 (MANE Select); coding-DNA position 350, A replaced by G.
Protein change: p.Asp117Gly; replaces aspartic acid 117 with glycine.
Molecular consequence: missense variant.
Genome position (GRCh38, 1-based): chr11:2,395,042, A>G. VCF-style: chr11-2395042-A-G. GRCh37 (hg19) VCF-style: chr11-2416272-A-G.
Other names: c.137A>G, p.Asp46Gly (NM_001297649.2, NM_001425129.1, NM_001425130.1 and 4 more transcripts); c.473A>G, p.Asp158Gly (NM_001425135.1); c.350A>G, p.Asp117Gly (NM_001425137.1); short protein forms D158G, D117G, D46G.
Identifiers: ClinVar variation 3630489 (VCV003630489.2).